The following is an entry in ClinVar:

ClinVar aggregate classification (germline): Uncertain significance (1 of 4 stars; one submission).

Submission:

GeneDx
Classification: Uncertain significance. Last evaluated: 2023-10-24. Review status: criteria provided, single submitter. Criteria: GeneDx Variant Classification Process June 2021. Collection method: clinical testing. Allele origin: germline. Affected: yes.
Comment: Not observed at significant frequency in large population cohorts (gnomAD); In silico analysis supports that this missense variant has a deleterious effect on protein structure/function; Has not been previously published as pathogenic or benign to our knowledge

NM_017934.7(PHIP):c.3146T>C (p.Ile1049Thr)

Genes: IRAK1BP1 (interleukin 1 receptor associated kinase 1 binding protein 1; plus strand), PHIP (pleckstrin homology domain interacting protein; minus strand). Cytogenetic location: 6q14.1.
Variant type: single nucleotide variant.
Coding change: c.3146T>C on transcript NM_017934.7 (MANE Select); coding-DNA position 3146, T replaced by C.
Protein change: p.Ile1049Thr; replaces isoleucine 1049 with threonine.
Molecular consequence: missense variant.
Genome position (GRCh38, 1-based): chr6:78,969,894, A>G on the plus strand (T>C on the coding strand, the complement: PHIP is on the minus strand). VCF-style: chr6-78969894-A-G. GRCh37 (hg19) VCF-style: chr6-79679611-A-G.
Other names: short protein forms I1049T.
Identifiers: ClinVar variation 3363228 (VCV003363228.1).